The following is an entry in ClinVar:

ClinVar aggregate classification (germline): Uncertain significance (1 of 4 stars; one submission).

Conditions:
Juvenile polyposis/hereditary hemorrhagic telangiectasia syndrome (JPHT). Also called: JP/HHT SYNDROME; JUVENILE POLYPOSIS WITH HEREDITARY HEMORRHAGIC TELANGIECTASIA; POLYPOSIS, GENERALIZED JUVENILE, WITH PULMONARY ARTERIOVENOUS MALFORMATION; TELANGIECTASIA, HEREDITARY HEMORRHAGIC, WITH JUVENILE POLYPOSIS COLI; Juvenile Polyposis Syndrome / Hereditary Hemorrhagic Telangiectasia (JPS/HHT). Identifiers: Orphanet 2929, MedGen C1832942, MONDO:0008278, OMIM 175050.

Submission:

All of Us Research Program, National Institutes of Health
Classification: Uncertain significance for Juvenile polyposis/hereditary hemorrhagic telangiectasia syndrome. Last evaluated: 2024-08-06. Review status: criteria provided, single submitter. Criteria: ACMG Guidelines, 2015. Collection method: clinical testing. Allele origin: germline. Inheritance: Autosomal dominant inheritance. Observed: 3 variant alleles, 3 heterozygotes.
Comment: This study involves interpretation of variants in research participants for the purpose of population health screening. Participant phenotype was not available at the time of variant classification. Additional details can be found in publication PMID: 35346344, PMCID: PMC8962531

NM_005359.6(SMAD4):c.1308+5G>C

Gene: SMAD4 (SMAD family member 4; plus strand). Cytogenetic location: 18q21.2.
Variant type: single nucleotide variant.
Coding change: c.1308+5G>C on transcript NM_005359.6 (MANE Select); 5 bases into the intron after coding-DNA position 1308, G replaced by C.
Molecular consequence: intron variant.
Genome position (GRCh38, 1-based): chr18:51,067,192, G>C. VCF-style: chr18-51067192-G-C. GRCh37 (hg19) VCF-style: chr18-48593562-G-C.
Other names: c.1308+5G>C (NM_001407042.1, NM_001407041.1).
Identifiers: ClinVar variation 3386030 (VCV003386030.1).